The following is an entry in ClinVar:

ClinVar aggregate classification (germline): Conflicting classifications of pathogenicity. Review status: criteria provided, conflicting classifications (1 of 4 stars). 6 submissions from 6 submitters: Uncertain significance (5); Likely benign (1). Last evaluated 2025-11-11.

Conditions:
Isolated focal cortical dysplasia type II (FCORD2). Also called: CORTICAL DYSPLASIA OF TAYLOR; Focal cortical dysplasia type II. Identifiers: Orphanet 268994, MedGen C1846385, MONDO:0011818, OMIM 607341, HP:0032051.
Tuberous sclerosis 1 (TSC1). Identifiers: Orphanet 805, MedGen C1854465, MONDO:0008612, OMIM 191100.
Hereditary cancer-predisposing syndrome. Also called: Hereditary neoplastic syndrome; Neoplastic Syndromes, Hereditary; Tumor predisposition; Hereditary Cancer Syndrome. Identifiers: Orphanet 140162, MedGen C0027672, MeSH D009386, MONDO:0015356.
Tuberous sclerosis syndrome (TSC). Also called: Tuberous Sclerosis Complex; Tuberous sclerosis. Identifiers: Orphanet 805, MedGen C0041341, MONDO:0001734.

Allele frequency attached by ClinVar (database versions not stated): gnomAD exomes below 0.00001.
gnomAD v4.1: 2 of 1,614,124 alleles (0.00012%); highest among the groups gnomAD compares: South Asian, 0.0011%; no homozygotes.

Submissions (6):

Labcorp Genetics (formerly Invitae), Labcorp
Classification: Likely benign for Tuberous sclerosis 1. Last evaluated: 2025-11-11. Review status: criteria provided, single submitter. Criteria: Invitae Variant Classification Sherloc (09022015). Collection method: clinical testing. Allele origin: germline.

Ambry Genetics
Classification: Uncertain significance for Hereditary cancer-predisposing syndrome. Last evaluated: 2025-05-08. Review status: criteria provided, single submitter. Criteria: Ambry Variant Classification Scheme 2023. Collection method: clinical testing. Allele origin: germline.
Comment: The p.A186T variant (also known as c.556G>A), located in coding exon 5 of the TSC1 gene, results from a G to A substitution at nucleotide position 556. The alanine at codon 186 is replaced by threonine, an amino acid with similar properties. This amino acid position is not well conserved in available vertebrate species. In addition, this alteration is predicted to be deleterious by in silico analysis. Based on the available evidence, the clinical significance of this variant remains unclear.

All of Us Research Program, National Institutes of Health
Classification: Uncertain significance for Tuberous sclerosis syndrome. Last evaluated: 2024-05-14. Review status: criteria provided, single submitter. Criteria: ACMG Guidelines, 2015. Collection method: clinical testing. Allele origin: germline. Inheritance: Autosomal dominant inheritance. Observed: 1 variant allele, 1 heterozygote.
Comment: This missense variant replaces alanine with threonine at codon 186 of the TSC1 protein. Computational prediction is inconclusive regarding the impact of this variant on protein structure and function. To our knowledge, functional studies have not been reported for this variant. This variant has not been reported in individuals affected with TSC1-related disorders in the literature. This variant has been identified in 1/251380 chromosomes in the general population by the Genome Aggregation Database (gnomAD). The available evidence is insufficient to determine the role of this variant in disease conclusively. Therefore, this variant is classified as a Variant of Uncertain Significance.

This study involves interpretation of variants in research participants for the purpose of population health screening. Participant phenotype was not available at the time of variant classification. Additional details can be found in publication PMID: 35346344, PMCID: PMC8962531

Color Diagnostics, LLC DBA Color Health
Classification: Uncertain significance for Tuberous sclerosis syndrome. Last evaluated: 2024-04-24. Review status: criteria provided, single submitter. Criteria: ACMG Guidelines, 2015. Collection method: clinical testing. Allele origin: germline.
Comment: This missense variant replaces alanine with threonine at codon 186 of the TSC1 protein. Computational prediction is inconclusive regarding the impact of this variant on protein structure and function. To our knowledge, functional studies have not been reported for this variant. This variant has not been reported in individuals affected with TSC1-related disorders in the literature. This variant has been identified in 1/251380 chromosomes in the general population by the Genome Aggregation Database (gnomAD). The available evidence is insufficient to determine the role of this variant in disease conclusively. Therefore, this variant is classified as a Variant of Uncertain Significance.

Baylor Genetics
Classification: Uncertain significance for Isolated focal cortical dysplasia type II. Last evaluated: 2023-07-13. Review status: criteria provided, single submitter. Criteria: ACMG Guidelines, 2015. Collection method: clinical testing. Allele origin: unknown.

Genome-Nilou Lab
Classification: Uncertain significance for Tuberous sclerosis 1. Last evaluated: 2021-11-07. Review status: criteria provided, single submitter. Criteria: ACMG Guidelines, 2015. Collection method: clinical testing. Allele origin: germline. Affected: no.

NM_000368.5(TSC1):c.556G>A (p.Ala186Thr)

Gene: TSC1 (TSC complex subunit 1; minus strand). Cytogenetic location: 9q34.13.
Variant type: single nucleotide variant.
Coding change: c.556G>A on transcript NM_000368.5 (MANE Select); coding-DNA position 556, G replaced by A.
Protein change: p.Ala186Thr; replaces alanine 186 with threonine.
Molecular consequence: missense variant.
Genome position (GRCh38, 1-based): chr9:132,921,926, C>T on the plus strand (G>A on the coding strand, the complement: TSC1 is on the minus strand). VCF-style: chr9-132921926-C-T. GRCh37 (hg19) VCF-style: chr9-135797313-C-T.
Other names: c.556G>A, p.Ala186Thr (NM_001162426.2); c.403G>A, p.Ala135Thr (NM_001162427.2); c.193G>A, p.Ala65Thr (NM_001362177.2); short protein forms A186T, A135T, A65T.
Identifiers: ClinVar variation 466148 (VCV000466148.22), dbSNP rs1279777367, ClinGen allele CA375372741.